The following is an entry in ClinVar:

ClinVar aggregate classification (germline): Uncertain significance (1 of 4 stars; one submission).

Conditions:
Porokeratosis 3, disseminated superficial actinic type (POROK3). Also called: POROKERATOSIS, DISSEMINATED SUPERFICIAL ACTINIC, 1; POROKERATOSIS 3, MULTIPLE TYPES; POROKERATOSIS 3, MIBELLI TYPE. Identifiers: MedGen C1867981, MONDO:0008293, OMIM 175900.
Mevalonic aciduria (MEVA). Identifiers: Orphanet 29, MedGen C1959626, MONDO:0012481, OMIM 610377.
Hyperimmunoglobulin D with periodic fever (HIDS). Also called: Hyperimmunoglobulinemia D with periodic fever; HYPERIMMUNOGLOBULINEMIA D AND PERIODIC FEVER SYNDROME; Hyperimmunoglobulinemia D. Identifiers: Orphanet 343, MedGen C0398691, MONDO:0009849, OMIM 260920.

Submission:

Labcorp Genetics (formerly Invitae), Labcorp
Classification: Uncertain significance for Mevalonic aciduria; Hyperimmunoglobulin D with periodic fever; Porokeratosis 3, disseminated superficial actinic type. Last evaluated: 2022-03-08. Review status: criteria provided, single submitter. Criteria: Invitae Variant Classification Sherloc (09022015). Collection method: clinical testing. Allele origin: germline.
Comment: In summary, the available evidence is currently insufficient to determine the role of this variant in disease. Therefore, it has been classified as a Variant of Uncertain Significance. Variants that disrupt the consensus splice site are a relatively common cause of aberrant splicing (PMID: 17576681, 9536098). Algorithms developed to predict the effect of sequence changes on RNA splicing suggest that this variant may disrupt the consensus splice site. Algorithms developed to predict the effect of missense changes on protein structure and function (SIFT, PolyPhen-2, Align-GVGD) all suggest that this variant is likely to be tolerated. This missense change has been observed in individual(s) with porokeratosis and/or recurrent fever (PMID: 34751146; Invitae). In at least one individual the data is consistent with being in trans (on the opposite chromosome) from a pathogenic variant. This variant is not present in population databases (gnomAD no frequency). This sequence change replaces arginine, which is basic and polar, with lysine, which is basic and polar, at codon 226 of the MVK protein (p.Arg226Lys). This variant also falls at the last nucleotide of exon 7, which is part of the consensus splice site for this exon.

Literature cited by the submitters: PubMed 17576681; PubMed 9536098; PubMed 34751146.

NM_000431.4(MVK):c.677G>A (p.Arg226Lys)

Gene: MVK (mevalonate kinase; plus strand). Cytogenetic location: 12q24.11.
Variant type: single nucleotide variant.
Coding change: c.677G>A on transcript NM_000431.4 (MANE Select); coding-DNA position 677, G replaced by A.
Protein change: p.Arg226Lys; replaces arginine 226 with lysine.
Molecular consequence: missense variant.
Genome position (GRCh38, 1-based): chr12:109,586,799, G>A. VCF-style: chr12-109586799-G-A. GRCh37 (hg19) VCF-style: chr12-110024604-G-A.
Other names: c.677G>A, p.Arg226Lys (NM_001114185.3, NM_001414511.1, NM_001414513.1); c.521G>A, p.Arg174Lys (NM_001301182.2, NM_001414514.1); c.677G>A, p.Ser226Asn (NM_001414512.1); c.95G>A, p.Arg32Lys (NM_001414515.1); short protein forms R32K, S226N, R174K, R226K.
Identifiers: ClinVar variation 2034895 (VCV002034895.4), dbSNP rs2548631945, ClinGen allele CA386648365.
Genomic context (GRCh38, chr12:109,586,799, plus strand): 5'-GGTTTTTCTCTTTAGGAGGAGCCCTCCGATACCATCAAGGGAAGATTTCATCCTTAAAGA[G>A]GTAACCTGGGGGTGGAGCAGCACATTCAGCCATGGCTGCATTGATGTGTGCAGGGGGCAG-3'
Protein context (NP_000422.1, residues 216-236): YHQGKISSLK[Arg226Lys]SPALQILLTN